The following is an entry in ClinVar:

NM_001735.3(C5):c.1568A>T (p.Tyr523Phe)

Gene: C5 (complement C5; minus strand). Cytogenetic location: 9q33.2.
Variant type: single nucleotide variant.
Coding change: c.1568A>T on transcript NM_001735.3 (MANE Select); coding-DNA position 1568, A replaced by T.
Protein change: p.Tyr523Phe; replaces tyrosine 523 with phenylalanine.
Molecular consequence: missense variant.
Genome position (GRCh38, 1-based): chr9:121,017,791, T>A on the plus strand (A>T on the coding strand, the complement: C5 is on the minus strand). VCF-style: chr9-121017791-T-A. GRCh37 (hg19) VCF-style: chr9-123780069-T-A.
Other names: c.1586A>T, p.Tyr529Phe (NM_001317163.2); c.1568A>T, p.Tyr523Phe (NM_001317164.2); short protein forms Y523F, Y529F.
Identifiers: ClinVar variation 1493478 (VCV001493478.8), dbSNP rs2131762444, ClinGen allele CA374749480.

ClinVar aggregate classification (germline): Uncertain significance (1 of 4 stars; one submission).

gnomAD v4.1: 2 of 1,613,918 alleles (0.00012%); highest among the groups gnomAD compares: Non-Finnish European, 0.000085%; no homozygotes.

Submission:

Labcorp Genetics (formerly Invitae), Labcorp
Classification: Uncertain significance. Last evaluated: 2020-12-13. Review status: criteria provided, single submitter. Criteria: Invitae Variant Classification Sherloc (09022015). Collection method: clinical testing. Allele origin: germline.
Comment: In summary, the available evidence is currently insufficient to determine the role of this variant in disease. Therefore, it has been classified as a Variant of Uncertain Significance. Algorithms developed to predict the effect of missense changes on protein structure and function output the following: SIFT: "Tolerated"; PolyPhen-2: "Benign"; Align-GVGD: "Class C0". The phenylalanine amino acid residue is found in multiple mammalian species, suggesting that this missense change does not adversely affect protein function. These predictions have not been confirmed by published functional studies and their clinical significance is uncertain. This variant has not been reported in the literature in individuals with C5-related conditions. This variant is not present in population databases (ExAC no frequency). This sequence change replaces tyrosine with phenylalanine at codon 523 of the C5 protein (p.Tyr523Phe). The tyrosine residue is moderately conserved and there is a small physicochemical difference between tyrosine and phenylalanine.